The following is an entry in ClinVar:

NM_001321075.3(DLG4):c.352C>G (p.Leu118Val)

Gene: DLG4 (discs large MAGUK scaffold protein 4; minus strand). Cytogenetic location: 17p13.1.
Variant type: single nucleotide variant.
Coding change: c.352C>G on transcript NM_001321075.3 (MANE Select); coding-DNA position 352, C replaced by G.
Protein change: p.Leu118Val; replaces leucine 118 with valine.
Molecular consequence: missense variant. On other transcripts: non-coding transcript variant (1).
Genome position (GRCh38, 1-based): chr17:7,203,577, G>C on the plus strand (C>G on the coding strand, the complement: DLG4 is on the minus strand). VCF-style: chr17-7203577-G-C. GRCh37 (hg19) VCF-style: chr17-7106896-G-C.
Other names: c.343C>G, p.Leu115Val (NM_001128827.4); c.472C>G, p.Leu158Val (NM_001321074.1); c.172C>G, p.Leu58Val (NM_001321076.3, NM_001321077.3); c.481C>G, p.Leu161Val (NM_001365.5); c.271C>G, p.Leu91Val (NM_001369566.3); c.352C>G (NM_001321075.1); short protein forms L115V, L118V, L158V, L161V, L58V, L91V.
Identifiers: ClinVar variation 1805760 (VCV001805760.2), dbSNP rs762793313, ClinGen allele CA397719720.

ClinVar aggregate classification (germline): Uncertain significance (1 of 4 stars; one submission).

Conditions:
Intellectual developmental disorder 62. Also called: MENTAL RETARDATION, AUTOSOMAL DOMINANT 62; INTELLECTUAL DEVELOPMENTAL DISORDER, AUTOSOMAL DOMINANT 62. Identifiers: MedGen C5394083, MONDO:0032919, OMIM 618793.

Submission:

Victorian Clinical Genetics Services, Murdoch Childrens Research Institute
Classification: Uncertain significance for Intellectual developmental disorder 62. Last evaluated: 2023-07-17. Review status: criteria provided, single submitter. Criteria: ACMG Guidelines, 2015. Collection method: clinical testing. Allele origin: germline. Inheritance: Autosomal dominant inheritance. Affected: yes.
Comment: Based on the classification scheme VCGS_Germline_v1.3.4, this variant is classified as VUS-3B. Following criteria are met: 0102 - Loss of function is a known mechanism of disease in this gene and is associated with intellectual developmental disorder 62 (MIM#618793). (I) 0107 - This gene is associated with autosomal dominant disease. (I) 0200 - Variant is predicted to result in a missense amino acid change from leucine to valine. (I) 0251 - This variant is heterozygous. (I) 0301 - Variant is absent from gnomAD (both v2 and v3). (SP) 0503 - Missense variant consistently predicted to be tolerated by multiple in silico tools or not conserved in placental mammals with a minor amino acid change. (SB) 0600 - Variant is located in the annotated PDZ domain (DECIPHER). (I) 0705 - No comparable missense variants have previous evidence for pathogenicity. (I) 0807 - This variant has no previous evidence of pathogenicity. (I) 0905 - No published segregation evidence has been identified for this variant. (I) 1007 - No published functional evidence has been identified for this variant. (I) 1208 - Inheritance information for this variant is not currently available in this individual. (I) Legend: (SP) - Supporting pathogenic, (I) - Information, (SB) - Supporting benign